The following is an entry in ClinVar:

NM_000478.6(ALPL):c.874C>A (p.Pro292Thr)

Gene: ALPL (alkaline phosphatase, biomineralization associated; plus strand). Cytogenetic location: 1p36.12.
Variant type: single nucleotide variant.
Coding change: c.874C>A on transcript NM_000478.6 (MANE Select); coding-DNA position 874, C replaced by A.
Protein change: p.Pro292Thr; replaces proline 292 with threonine.
Molecular consequence: missense variant.
Genome position (GRCh38, 1-based): chr1:21,573,676, C>A. VCF-style: chr1-21573676-C-A. GRCh37 (hg19) VCF-style: chr1-21900169-C-A.
Other names: c.874C>A (NM_000478.5); c.709C>A, p.Pro237Thr (NM_001127501.4); c.643C>A, p.Pro215Thr (NM_001177520.3); c.874C>A, p.Pro292Thr (NM_001369803.2, NM_001369804.2, NM_001369805.2); short protein forms P215T, P237T, P292T.
Identifiers: ClinVar variation 1323883 (VCV001323883.14), dbSNP rs765458125, ClinGen allele CA666669.
Genomic context (GRCh38, chr1:21,573,676, plus strand): 5'-GCCGGGTCACAGCCTCTCAGCATCCACATCCTCCTGGCGTCCTCCTCAGGTCTCTTCGAG[C>A]CAGGGGACATGCAGTACGAGCTGAACAGGAACAACGTGACGGACCCGTCACTCTCCGAGA-3'
Protein context (NP_000469.3, residues 282-302): NVDYLLGLFE[Pro292Thr]GDMQYELNRN

ClinVar aggregate classification (germline): Pathogenic/Likely pathogenic. Review status: criteria provided, multiple submitters, no conflicts (2 of 4 stars). 7 submissions from 7 submitters: Pathogenic (4); Likely pathogenic (3). Last evaluated 2025-08-29.

Conditions:
Hypophosphatasia. Also called: Phosphoethanol-aminuria. Identifiers: Orphanet 436, MedGen C0020630, MeSH D007014, MONDO:0018570.
Adult hypophosphatasia. Identifiers: Orphanet 247676, Orphanet 436, MedGen C0268413, MONDO:1010154, OMIM 146300, MONDO:0007798.
Childhood hypophosphatasia. Identifiers: Orphanet 247667, Orphanet 436, MedGen C0220743, MONDO:1010168, OMIM 241510, MONDO:0009428.
Infantile hypophosphatasia. Identifiers: Orphanet 247651, Orphanet 436, MedGen C0268412, MONDO:1010169, OMIM 241500, MONDO:0009427.

gnomAD v4.1: 10 of 1,613,754 alleles (0.00062%); highest among the groups gnomAD compares: Middle Eastern, 0.016%; no homozygotes.

Submissions (7):

Genomenon, Inc
Classification: Pathogenic for Hypophosphatasia. Last evaluated: 2025-08-29. Review status: criteria provided, single submitter. Criteria: Genomenon Sequence Variant Interpretation Standards. Collection method: curation. Allele origin: germline. Affected: yes.
Comment: ALPL c.874C>A is a missense variant that changes the amino acid at residue 292 from Proline to Threonine. This variant has been observed in at least one proband affected with hypophosphatasia (PMID:32811521;30283912;15694177). At least one functional study has demonstrated a substantial alteration in protein function relative to the wild-type (PMID:15694177). It is absent or not present at a significant frequency in gnomAD. In silico models agree that this variant is possibly or probably damaging. In conclusion, we classify ALPL p.Pro292Thr (c.874C>A) as a pathogenic variant.

Labcorp Genetics (formerly Invitae), Labcorp
Classification: Pathogenic. Last evaluated: 2025-06-15. Review status: criteria provided, single submitter. Criteria: Invitae Variant Classification Sherloc (09022015). Collection method: clinical testing. Allele origin: germline.
Comment: This sequence change replaces proline, which is neutral and non-polar, with threonine, which is neutral and polar, at codon 292 of the ALPL protein (p.Pro292Thr). This variant is present in population databases (rs765458125, gnomAD 0.002%). This missense change has been observed in individuals with clinical features of hypophosphatasia (PMID: 15694177; internal data). This variant is also known as P275T. ClinVar contains an entry for this variant (Variation ID: 1323883). Invitae Evidence Modeling of protein sequence and biophysical properties (such as structural, functional, and spatial information, amino acid conservation, physicochemical variation, residue mobility, and thermodynamic stability) indicates that this missense variant is expected to disrupt ALPL protein function with a positive predictive value of 95%. Experimental studies have shown that this missense change affects ALPL function (PMID: 15694177). This variant disrupts the p.Pro292 amino acid residue in ALPL. Other variant(s) that disrupt this residue have been determined to be pathogenic (PMID: 28127875; internal data). This suggests that this residue is clinically significant, and that variants that disrupt this residue are likely to be disease-causing. For these reasons, this variant has been classified as Pathogenic.

Natera, Inc.
Classification: Pathogenic for Hypophosphatasia. Last evaluated: 2024-06-22. Review status: criteria provided, single submitter. Criteria: Natera Variant Classification Schema (03/2026). Collection method: clinical testing. Allele origin: germline.
Comment: The c.874C>A variant in ALPL is a missense variant predicted to cause substitution of proline to threonine at amino acid 292. This variant is rare in the general population with a frequency below the threshold expected for the associated phenotype(s). This variant has been observed in one or more individuals affected with the associated recessive disease, as either homozygous or compound heterozygous with a second variant (PMID: 15694177, 32973344, 37731773). Functional studies show that this variant may disrupt protein function (PMID: 15694177). A different variant at the same position has been determined to be Pathogenic or Likely Pathogenic. Computational prediction algorithms indicate this variant is likely to affect gene or protein function. Given the available evidence, this variant is classified as Pathogenic.

Fulgent Genetics
Classification: Likely pathogenic for Adult hypophosphatasia; Infantile hypophosphatasia; Childhood hypophosphatasia. Last evaluated: 2024-05-01. Review status: criteria provided, single submitter. Criteria: ACMG Guidelines, 2015. Collection method: clinical testing. Allele origin: germline.

Baylor Genetics
Classification: Pathogenic for Adult hypophosphatasia. Last evaluated: 2023-10-30. Review status: criteria provided, single submitter. Criteria: ACMG Guidelines, 2015. Collection method: clinical testing. Allele origin: unknown.

Women's Health and Genetics/Laboratory Corporation of America, LabCorp
Classification: Likely pathogenic for Hypophosphatasia. Last evaluated: 2023-06-13. Review status: criteria provided, single submitter. Criteria: LabCorp Variant Classification Summary - May 2015. Collection method: clinical testing. Allele origin: germline.
Comment: Variant summary: ALPL c.874C>A (p.Pro292Thr) results in a non-conservative amino acid change in the encoded protein sequence. Four of five in-silico tools predict a damaging effect of the variant on protein function. The variant allele was found at a frequency of 8e-06 in 250868 control chromosomes (gnomAD). c.874C>A has been reported in the literature as a biallelic genotype in individuals affected with Hypophosphatasia, Autosomal Recessive (Brun-Heath_2005, Mornet_2021). These data indicate that the variant may be associated with disease. Enzyme activity assays using transiently transfected COS-1 and MDCK II cells have shown that the variant has 4% (Brun-Heath_2005) and 65% (Del Angel_2020) residual activity, respectively. The following publications have been ascertained in the context of this evaluation (PMID: 15694177, 32160374, 32973344, 32811521). Two ClinVar submitters have assessed the variant since 2014: both classified the variant as likely pathogenic. Based on the evidence outlined above, the variant was classified as likely pathogenic.

Revvity Omics, Revvity
Classification: Likely pathogenic. Last evaluated: 2021-08-11. Review status: criteria provided, single submitter. Criteria: ACMG Guidelines, 2015. Collection method: clinical testing. Allele origin: germline.

Literature cited by the submitters: PubMed 32811521 (cited by Genomenon, Inc and Women's Health and Genetics/Laboratory Corporation of America, LabCorp); PubMed 30283912 (cited by Genomenon, Inc); PubMed 15694177 (cited by 4 submitters); PubMed 28127875 (cited by Labcorp Genetics (formerly Invitae), Labcorp); PubMed 32973344 (cited by Natera, Inc. and Women's Health and Genetics/Laboratory Corporation of America, LabCorp); PubMed 37731773 (cited by Natera, Inc.); PubMed 32160374 (cited by Women's Health and Genetics/Laboratory Corporation of America, LabCorp).